The following is an entry in ClinVar:

ClinVar aggregate classification (germline): Uncertain significance. Review status: criteria provided, single submitter (1 of 4 stars). 4 submissions from 4 submitters: Uncertain significance (1). 3 of the submissions do not count toward it. Last evaluated 2015-12-04.

Conditions:
FBLN1-related disorder. Also called: FBLN1-related condition.

Allele frequency attached by ClinVar (database versions not stated): gnomAD exomes 0.00008; gnomAD 0.00012 and 0.00046; ExAC 0.00015; 1000 Genomes Project 30x 0.00016; ESP Exome Variant Server 0.00017; 1000 Genomes Project 0.00020; TOPMed 0.00056.
gnomAD v4.1: 536 of 1,551,304 alleles (0.035%); highest among the groups gnomAD compares: Middle Eastern, 0.3%; 1 homozygote.

Submissions (4):

Eurofins Ntd Llc (ga)
Classification: Uncertain significance. Last evaluated: 2015-12-04. Review status: criteria provided, single submitter. Criteria: EGL Classification Definitions 2015. Collection method: clinical testing. Allele origin: germline. Observed: 2 variant alleles, 2 heterozygotes.

PreventionGenetics, part of Exact Sciences
Classification: Uncertain significance for FBLN1-related condition. Last evaluated: 2024-08-13. Review status: no assertion criteria provided. Collection method: clinical testing. Allele origin: germline. Not counted in ClinVar's aggregate classification.
Comment: The FBLN1 c.286G>A variant is predicted to result in the amino acid substitution p.Gly96Ser. To our knowledge, this variant has not been reported in the literature. This variant is reported in 0.023% of alleles in individuals of Ashkenazi Jewish descent in gnomAD. Although we suspect that this variant may be benign, at this time, the clinical significance of this variant is uncertain due to the absence of conclusive functional and genetic evidence.

Clinical Genetics DNA and cytogenetics Diagnostics Lab, Erasmus MC, Erasmus Medical Center
Classification: Likely benign. Review status: no assertion criteria provided. Collection method: clinical testing. Allele origin: germline. Affected: yes. Study: VKGL Data-share Consensus. Not counted in ClinVar's aggregate classification.

Laboratory of Diagnostic Genome Analysis, Leiden University Medical Center (LUMC)
Classification: Likely benign. Review status: no assertion criteria provided. Collection method: clinical testing. Allele origin: germline. Affected: yes. Study: VKGL Data-share Consensus. Not counted in ClinVar's aggregate classification.

NM_006486.3(FBLN1):c.286G>A (p.Gly96Ser)

Gene: FBLN1 (fibulin 1; plus strand). Cytogenetic location: 22q13.31.
Variant type: single nucleotide variant.
Coding change: c.286G>A on transcript NM_006486.3 (MANE Select); coding-DNA position 286, G replaced by A.
Protein change: p.Gly96Ser; replaces glycine 96 with serine.
Molecular consequence: missense variant.
Genome position (GRCh38, 1-based): chr22:45,525,643, G>A. VCF-style: chr22-45525643-G-A. GRCh37 (hg19) VCF-style: chr22-45921523-G-A.
Other names: c.286G>A, p.Gly96Ser (NM_001996.4, NM_006485.4, NM_006487.3); c.286G>A (NM_006486.2); short protein forms G96S.
Identifiers: ClinVar variation 284333 (VCV000284333.8), dbSNP rs199802935, ClinGen allele CA10286514.